The following is an entry in ClinVar:

ClinVar aggregate classification (germline): Uncertain significance (1 of 4 stars; one submission).

Allele frequency attached by ClinVar (database versions not stated): gnomAD exomes below 0.00001.
gnomAD v4.1: 1 of 1,614,148 alleles (0.000062%); highest among the groups gnomAD compares: Admixed American, 0.0017%; no homozygotes.

Submission:

Labcorp Genetics (formerly Invitae), Labcorp
Classification: Uncertain significance. Last evaluated: 2023-07-30. Review status: criteria provided, single submitter. Criteria: Invitae Variant Classification Sherloc (09022015). Collection method: clinical testing. Allele origin: germline.
Comment: In summary, the available evidence is currently insufficient to determine the role of this variant in disease. Therefore, it has been classified as a Variant of Uncertain Significance. An algorithm developed to predict the effect of missense changes on protein structure and function (PolyPhen-2) suggests that this variant is likely to be disruptive. This variant has not been reported in the literature in individuals affected with NUP62-related conditions. This variant is present in population databases (no rsID available, gnomAD 0.003%). This sequence change replaces glutamic acid, which is acidic and polar, with glycine, which is neutral and non-polar, at codon 411 of the NUP62 protein (p.Glu411Gly).

NM_016553.5(NUP62):c.1232A>G (p.Glu411Gly)

Genes: IL4I1 (interleukin 4 induced 1; minus strand), NUP62 (nucleoporin 62; minus strand). Cytogenetic location: 19q13.33.
Variant type: single nucleotide variant.
Coding change: c.1232A>G on transcript NM_016553.5 (MANE Select); coding-DNA position 1232, A replaced by G.
Protein change: p.Glu411Gly; replaces glutamic acid 411 with glycine.
Molecular consequence: missense variant. On other transcripts: intron variant (3).
Genome position (GRCh38, 1-based): chr19:49,908,576, T>C on the plus strand (A>G on the coding strand, the complement: NUP62 is on the minus strand). VCF-style: chr19-49908576-T-C. GRCh37 (hg19) VCF-style: chr19-50411833-T-C.
Other names: c.1232A>G, p.Glu411Gly (NM_001193357.2, NM_012346.5, NM_153718.4 and 1 more transcripts); c.-227-4255A>G (NM_001258017.2, NM_172374.3); c.-285-4255A>G (NM_001258018.2); short protein forms E411G.
Identifiers: ClinVar variation 2841176 (VCV002841176.3), dbSNP rs1248275136, ClinGen allele CA406924079.